The following is an entry in ClinVar:

ClinVar aggregate classification (germline): Uncertain significance (1 of 4 stars; one submission).

Submission:

Labcorp Genetics (formerly Invitae), Labcorp
Classification: Uncertain significance. Last evaluated: 2023-01-20. Review status: criteria provided, single submitter. Criteria: Invitae Variant Classification Sherloc (09022015). Collection method: clinical testing. Allele origin: germline.
Comment: This sequence change replaces glutamic acid, which is acidic and polar, with lysine, which is basic and polar, at codon 991 of the CLTC protein (p.Glu991Lys). This variant is not present in population databases (gnomAD no frequency). In summary, the available evidence is currently insufficient to determine the role of this variant in disease. Therefore, it has been classified as a Variant of Uncertain Significance. Advanced modeling of protein sequence and biophysical properties (such as structural, functional, and spatial information, amino acid conservation, physicochemical variation, residue mobility, and thermodynamic stability) performed at Invitae indicates that this missense variant is not expected to disrupt CLTC protein function. This variant has not been reported in the literature in individuals affected with CLTC-related conditions.

NM_004859.4(CLTC):c.2959G>A (p.Glu987Lys)

Gene: CLTC (clathrin heavy chain; plus strand). Cytogenetic location: 17q23.1.
Variant type: single nucleotide variant.
Coding change: c.2959G>A on transcript NM_004859.4 (MANE Select); coding-DNA position 2959, G replaced by A.
Protein change: p.Glu987Lys; replaces glutamic acid 987 with lysine.
Molecular consequence: missense variant.
Genome position (GRCh38, 1-based): chr17:59,680,951, G>A. VCF-style: chr17-59680951-G-A. GRCh37 (hg19) VCF-style: chr17-57758312-G-A.
Other names: c.2971G>A, p.Glu991Lys (NM_001288653.2); short protein forms E991K, E987K.
Identifiers: ClinVar variation 2830592 (VCV002830592.3), dbSNP rs2509149930, ClinGen allele CA400416673.